The following is an entry in ClinVar:

NM_007315.4(STAT1):c.1097+10C>G

Gene: STAT1 (signal transducer and activator of transcription 1; minus strand). Cytogenetic location: 2q32.2.
Variant type: single nucleotide variant.
Coding change: c.1097+10C>G on transcript NM_007315.4 (MANE Select); 10 bases into the intron after coding-DNA position 1097, C replaced by G.
Molecular consequence: intron variant.
Genome position (GRCh38, 1-based): chr2:190,989,605, G>C on the plus strand (C>G on the coding strand, the complement: STAT1 is on the minus strand). VCF-style: chr2-190989605-G-C. GRCh37 (hg19) VCF-style: chr2-191854331-G-C.
Other names: p.?; c.1007+10C>G (NM_001384890.1); c.998+10C>G (NM_001384883.1); c.938+10C>G (NM_001384885.1); c.1004+10C>G (NM_001384887.1); c.1037+1623C>G (NM_001384880.1); c.1097+10C>G (NM_001384888.1, NM_001384882.1, NM_001384889.1 and 2 more transcripts); c.1133+10C>G (NM_001384891.1); and 1 more.
Identifiers: ClinVar variation 333282 (VCV000333282.17), dbSNP rs41488044, ClinGen allele CA2030071.

ClinVar aggregate classification (germline): Benign/Likely benign. Review status: criteria provided, multiple submitters, no conflicts (2 of 4 stars). 4 submissions from 4 submitters: Benign (3); Likely benign (1). Last evaluated 2026-01-26.

Conditions:
Mendelian susceptibility to mycobacterial diseases due to partial STAT1 deficiency. Also called: IMMUNODEFICIENCY 31A, MYCOBACTERIOSIS, AUTOSOMAL DOMINANT; STAT1 DEFICIENCY, AUTOSOMAL DOMINANT; Immunodeficiency 31a. Identifiers: Orphanet 319595, MedGen C4013950, MONDO:0013956, OMIM 614892.
Autoimmune enteropathy and endocrinopathy - susceptibility to chronic infections syndrome. Also called: Immunodeficiency 31C; Immunodeficiency 31C, autosomal dominant. Identifiers: Orphanet 391487, MedGen C3279990, MONDO:0013599, OMIM 614162.
Immunodeficiency 31B. Also called: IMMUNODEFICIENCY 31B, MYCOBACTERIAL AND VIRAL INFECTIONS, AUTOSOMAL RECESSIVE; STAT1 DEFICIENCY, AUTOSOMAL RECESSIVE. Identifiers: Orphanet 391311, MedGen C3151088, MONDO:0013427, OMIM 613796.

Allele frequency attached by ClinVar (database versions not stated): gnomAD exomes 0.00046 and 0.00124; ExAC 0.00275; 1000 Genomes Project 0.00519; gnomAD 0.00546 and 0.00594; 1000 Genomes Project 30x 0.00547; TOPMed 0.00602; ESP Exome Variant Server 0.00660.
gnomAD v4.1: 1,475 of 1,459,498 alleles (0.1%); highest among the groups gnomAD compares: African/African-American, 1.8%; 21 homozygotes.

Submissions (4):

Labcorp Genetics (formerly Invitae), Labcorp
Classification: Benign for Mendelian susceptibility to mycobacterial diseases due to partial STAT1 deficiency; Immunodeficiency 31B; Autoimmune enteropathy and endocrinopathy - susceptibility to chronic infections syndrome. Last evaluated: 2026-01-26. Review status: criteria provided, single submitter. Criteria: Invitae Variant Classification Sherloc (09022015). Collection method: clinical testing. Allele origin: germline.

Mayo Clinic Laboratories, Mayo Clinic
Classification: Likely benign. Last evaluated: 2024-08-05. Review status: criteria provided, single submitter. Criteria: ACMG Guidelines, 2015. Collection method: clinical testing. Allele origin: germline. Observed: 5 variant alleles.
Comment: BA1, BS2, BP4, BP7

Illumina Laboratory Services, Illumina
Classification: Benign for Mendelian susceptibility to mycobacterial diseases due to partial STAT1 deficiency. Last evaluated: 2018-01-12. Review status: criteria provided, single submitter. Criteria: ICSL Variant Classification Criteria 13 December 2019. Collection method: clinical testing. Allele origin: germline.
Comment: This variant was observed in the ICSL laboratory as part of a predisposition screen in an ostensibly healthy population. It had not been previously curated by ICSL or reported in the Human Gene Mutation Database (HGMD: prior to June 1st, 2018), and was therefore a candidate for classification through an automated scoring system. Utilizing variant allele frequency, disease prevalence and penetrance estimates, and inheritance mode, an automated score was calculated to assess if this variant is too frequent to cause the disease. Based on the score and internal cut-off values, a variant classified as benign is not then subjected to further curation. The score for this variant resulted in a classification of benign for this disease.

Breakthrough Genomics
Classification: Benign. Review status: criteria provided, single submitter. Criteria: ACMG Guidelines, 2015. Collection method: not provided. Allele origin: germline. Inheritance: Autosomal recessive inheritance. Affected: yes.